The following is an entry in ClinVar:

ClinVar aggregate classification (germline): Benign (1 of 4 stars; one submission).

Allele frequency attached by ClinVar (database versions not stated): 1000 Genomes Project 0.07428; 1000 Genomes Project 30x 0.07448; TOPMed 0.11878; gnomAD 0.12956 and 0.13278.
gnomAD v4.1: 19,777 of 151,966 alleles (13%); highest among the groups gnomAD compares: Non-Finnish European, 19%; 1,715 homozygotes.

Submission:

GeneDx
Classification: Benign. Last evaluated: 2018-06-14. Review status: criteria provided, single submitter. Criteria: GeneDx Variant Classification (06012015). Collection method: clinical testing. Allele origin: germline. Affected: yes.
Comment: This variant is considered likely benign or benign based on one or more of the following criteria: it is a conservative change, it occurs at a poorly conserved position in the protein, it is predicted to be benign by multiple in silico algorithms, and/or has population frequency not consistent with disease.

NM_002887.4(RARS1):c.1625+249G>A

Gene: RARS1 (arginyl-tRNA synthetase 1; plus strand). Cytogenetic location: 5q34.
Variant type: single nucleotide variant.
Coding change: c.1625+249G>A on transcript NM_002887.4 (MANE Select); 249 bases into the intron after coding-DNA position 1625, G replaced by A.
Molecular consequence: intron variant.
Genome position (GRCh38, 1-based): chr5:168,517,199, G>A. VCF-style: chr5-168517199-G-A. GRCh37 (hg19) VCF-style: chr5-167944204-G-A.
Identifiers: ClinVar variation 669556 (VCV000669556.1), dbSNP rs12153564, ClinGen allele CA12041785.